The following is an entry in ClinVar:

ClinVar aggregate classification (germline): Benign (1 of 4 stars; one submission).

Allele frequency attached by ClinVar (database versions not stated): 1000 Genomes Project 0.05871; 1000 Genomes Project 30x 0.06074; gnomAD 0.07945 and 0.08306; TOPMed 0.08082.
gnomAD v4.1: 11,588 of 146,404 alleles (7.9%); highest among the groups gnomAD compares: African/African-American, 13%; 568 homozygotes.

Submission:

GeneDx
Classification: Benign. Last evaluated: 2018-06-19. Review status: criteria provided, single submitter. Criteria: GeneDx Variant Classification (06012015). Collection method: clinical testing. Allele origin: germline. Affected: yes.
Comment: This variant is considered likely benign or benign based on one or more of the following criteria: it is a conservative change, it occurs at a poorly conserved position in the protein, it is predicted to be benign by multiple in silico algorithms, and/or has population frequency not consistent with disease.

NM_006859.4(LIAS):c.954+188C>T

Gene: LIAS (lipoic acid synthetase; plus strand). Cytogenetic location: 4p14.
Variant type: single nucleotide variant.
Coding change: c.954+188C>T on transcript NM_006859.4 (MANE Select); 188 bases into the intron after coding-DNA position 954, C replaced by T.
Molecular consequence: intron variant.
Genome position (GRCh38, 1-based): chr4:39,471,494, C>T. VCF-style: chr4-39471494-C-T. GRCh37 (hg19) VCF-style: chr4-39473114-C-T.
Other names: c.954+188C>T (NM_194451.3); c.825+188C>T (NM_001278590.2); c.645+188C>T (NM_001363700.2).
Identifiers: ClinVar variation 683095 (VCV000683095.1), dbSNP rs73137456, ClinGen allele CA11685884.